The following is an entry in ClinVar:

NM_000722.4(CACNA2D1):c.1193C>A (p.Pro398His)

Genes: CACNA2D1 (calcium voltage-gated channel auxiliary subunit alpha2delta 1; minus strand), CACNA2D1-AS1 (CACNA2D1 antisense RNA 1; plus strand). Cytogenetic location: 7q21.11.
Variant type: single nucleotide variant.
Coding change: c.1193C>A on transcript NM_000722.4 (MANE Select); coding-DNA position 1193, C replaced by A.
Protein change: p.Pro398His; replaces proline 398 with histidine.
Molecular consequence: missense variant.
Genome position (GRCh38, 1-based): chr7:82,014,430, G>T on the plus strand (C>A on the coding strand, the complement: CACNA2D1 is on the minus strand). VCF-style: chr7-82014430-G-T. GRCh37 (hg19) VCF-style: chr7-81643746-G-T.
Other names: c.1193C>A, p.Pro398His (NM_001366867.1); short protein forms P398H.
Identifiers: ClinVar variation 3994515 (VCV003994515.1).

ClinVar aggregate classification (germline): Uncertain significance (1 of 4 stars; one submission).

Conditions:
Cardiovascular phenotype. Identifiers: MedGen CN230736.

gnomAD v4.1: 1 of 1,596,514 alleles (0.000063%); highest among the groups gnomAD compares: Non-Finnish European, 0.000086%; no homozygotes.

Submission:

Ambry Genetics
Classification: Uncertain significance for Cardiovascular phenotype. Last evaluated: 2025-03-23. Review status: criteria provided, single submitter. Criteria: Ambry Variant Classification Scheme 2023. Collection method: clinical testing. Allele origin: germline.
Comment: The p.P398H variant (also known as c.1193C>A), located in coding exon 13 of the CACNA2D1 gene, results from a C to A substitution at nucleotide position 1193. The proline at codon 398 is replaced by histidine, an amino acid with similar properties. This amino acid position is conserved. In addition, the in silico prediction for this alteration is inconclusive. Based on the available evidence, the clinical significance of this variant remains unclear.